The following is an entry in ClinVar:

ClinVar aggregate classification (germline): Uncertain significance. Review status: criteria provided, multiple submitters, no conflicts (2 of 4 stars). 2 submissions from 2 submitters: Uncertain significance (2). Last evaluated 2025-04-17.

Conditions:
Brugada syndrome. Also called: Sudden unexpected nocturnal death syndrome; Sudden unexplained nocturnal death syndrome; Sudden Unexplained Death Syndrome; Sudden Unexplained Nocturnal Death Syndrome (SUNDS). Identifiers: Orphanet 130, MedGen C1142166, MONDO:0015263.

Allele frequency attached by ClinVar (database versions not stated): gnomAD exomes below 0.00001; TOPMed below 0.00001.
gnomAD v4.1: 2 of 1,611,188 alleles (0.00012%); highest among the groups gnomAD compares: Admixed American, 0.0017%; no homozygotes.

Submissions (2):

Ambry Genetics
Classification: Uncertain significance. Last evaluated: 2025-04-17. Review status: criteria provided, single submitter. Criteria: Ambry Variant Classification Scheme 2023. Collection method: clinical testing. Allele origin: germline.

Labcorp Genetics (formerly Invitae), Labcorp
Classification: Uncertain significance for Brugada syndrome. Last evaluated: 2023-04-30. Review status: criteria provided, single submitter. Criteria: Invitae Variant Classification Sherloc (09022015). Collection method: clinical testing. Allele origin: germline.
Comment: This sequence change replaces methionine, which is neutral and non-polar, with threonine, which is neutral and polar, at codon 292 of the SLMAP protein (p.Met292Thr). In summary, the available evidence is currently insufficient to determine the role of this variant in disease. Therefore, it has been classified as a Variant of Uncertain Significance. An algorithm developed to predict the effect of missense changes on protein structure and function (PolyPhen-2) suggests that this variant is likely to be disruptive. This variant has not been reported in the literature in individuals affected with SLMAP-related conditions. This variant is present in population databases (rs769746615, gnomAD 0.003%).

NM_001377540.1(SLMAP):c.875T>C (p.Met292Thr)

Gene: SLMAP (sarcolemma associated protein; plus strand). Cytogenetic location: 3p14.3.
Variant type: single nucleotide variant.
Coding change: c.875T>C on transcript NM_001377540.1 (MANE Select); coding-DNA position 875, T replaced by C.
Protein change: p.Met292Thr; replaces methionine 292 with threonine.
Molecular consequence: missense variant. On other transcripts: non-coding transcript variant (1).
Genome position (GRCh38, 1-based): chr3:57,861,995, T>C. VCF-style: chr3-57861995-T-C. GRCh37 (hg19) VCF-style: chr3-57847722-T-C.
Other names: c.875T>C, p.Met292Thr (NM_001304420.3, NM_001304421.2, NM_001377538.1 and 17 more transcripts); short protein forms M292T.
Identifiers: ClinVar variation 2562985 (VCV002562985.6), dbSNP rs769746615, ClinGen allele CA2466959.